The following is an entry in ClinVar:

ClinVar aggregate classification (germline): Uncertain significance. Review status: criteria provided, multiple submitters, no conflicts (2 of 4 stars). 2 submissions from 2 submitters: Uncertain significance (2). Last evaluated 2024-03-16.

Conditions:
Hereditary cancer-predisposing syndrome. Also called: Tumor predisposition; Hereditary neoplastic syndrome; Neoplastic Syndromes, Hereditary; Hereditary Cancer Syndrome. Identifiers: Orphanet 140162, MedGen C0027672, MeSH D009386, MONDO:0015356.
Bloom syndrome (BLM). Also called: Bloom-Torre-Machacek syndrome. Identifiers: Orphanet 125, MedGen C0005859, MONDO:0008876, OMIM 210900.

Allele frequency attached by ClinVar (database versions not stated): TOPMed below 0.00001.

Submissions (2):

Ambry Genetics
Classification: Uncertain significance for Hereditary cancer-predisposing syndrome. Last evaluated: 2024-03-16. Review status: criteria provided, single submitter. Criteria: Ambry Variant Classification Scheme 2023. Collection method: clinical testing. Allele origin: germline.
Comment: The p.I238T variant (also known as c.713T>C), located in coding exon 2 of the BLM gene, results from a T to C substitution at nucleotide position 713. The isoleucine at codon 238 is replaced by threonine, an amino acid with similar properties. This amino acid position is conserved. In addition, this alteration is predicted to be tolerated by in silico analysis. Since supporting evidence is limited at this time, the clinical significance of this alteration remains unclear.

Labcorp Genetics (formerly Invitae), Labcorp
Classification: Uncertain significance for Bloom syndrome. Last evaluated: 2024-01-29. Review status: criteria provided, single submitter. Criteria: Invitae Variant Classification Sherloc (09022015). Collection method: clinical testing. Allele origin: germline.
Comment: This sequence change replaces isoleucine, which is neutral and non-polar, with threonine, which is neutral and polar, at codon 238 of the BLM protein (p.Ile238Thr). This variant is not present in population databases (gnomAD no frequency). This variant has not been reported in the literature in individuals affected with BLM-related conditions. ClinVar contains an entry for this variant (Variation ID: 1427117). An algorithm developed to predict the effect of missense changes on protein structure and function (PolyPhen-2) suggests that this variant is likely to be disruptive. In summary, the available evidence is currently insufficient to determine the role of this variant in disease. Therefore, it has been classified as a Variant of Uncertain Significance.

NM_000057.4(BLM):c.713T>C (p.Ile238Thr)

Gene: BLM (BLM RecQ like helicase; plus strand). Cytogenetic location: 15q26.1.
Variant type: single nucleotide variant.
Coding change: c.713T>C on transcript NM_000057.4 (MANE Select); coding-DNA position 713, T replaced by C.
Protein change: p.Ile238Thr; replaces isoleucine 238 with threonine.
Molecular consequence: missense variant. On other transcripts: 5 prime UTR variant (1).
Genome position (GRCh38, 1-based): chr15:90,749,981, T>C. VCF-style: chr15-90749981-T-C. GRCh37 (hg19) VCF-style: chr15-91293211-T-C.
Other names: c.713T>C, p.Ile238Thr (NM_001287246.2, NM_001287247.2); c.-579T>C (NM_001287248.2); short protein forms I238T.
Identifiers: ClinVar variation 1427117 (VCV001427117.10), dbSNP rs1895635327, ClinGen allele CA393841402.